The following is an entry in ClinVar:

NM_003482.4(KMT2D):c.10537T>C (p.Trp3513Arg)

Gene: KMT2D (lysine methyltransferase 2D; minus strand). Cytogenetic location: 12q13.12.
Variant type: single nucleotide variant.
Coding change: c.10537T>C on transcript NM_003482.4 (MANE Select); coding-DNA position 10537, T replaced by C.
Protein change: p.Trp3513Arg; replaces tryptophan 3513 with arginine.
Molecular consequence: missense variant.
Genome position (GRCh38, 1-based): chr12:49,034,270, A>G on the plus strand (T>C on the coding strand, the complement: KMT2D is on the minus strand). VCF-style: chr12-49034270-A-G. GRCh37 (hg19) VCF-style: chr12-49428053-A-G.
Other names: short protein forms W3513R.
Identifiers: ClinVar variation 2692793 (VCV002692793.3), dbSNP rs2120455090, ClinGen allele CA384728440.

ClinVar aggregate classification (germline): Uncertain significance (1 of 4 stars; one submission).

Conditions:
Kabuki syndrome. Also called: Kabuki make-up syndrome; NIIKAWA-KUROKI SYNDROME. Identifiers: Orphanet 2322, MedGen C0796004, MONDO:0016512.

Submission:

Labcorp Genetics (formerly Invitae), Labcorp
Classification: Uncertain significance for Kabuki syndrome. Last evaluated: 2025-06-19. Review status: criteria provided, single submitter. Criteria: Invitae Variant Classification Sherloc (09022015). Collection method: clinical testing. Allele origin: germline.
Comment: This sequence change replaces tryptophan, which is neutral and slightly polar, with arginine, which is basic and polar, at codon 3513 of the KMT2D protein (p.Trp3513Arg). This variant is not present in population databases (gnomAD no frequency). This variant has not been reported in the literature in individuals affected with KMT2D-related conditions. ClinVar contains an entry for this variant (Variation ID: 2692793). Invitae Evidence Modeling of protein sequence and biophysical properties (such as structural, functional, and spatial information, amino acid conservation, physicochemical variation, residue mobility, and thermodynamic stability) indicates that this missense variant is expected to disrupt KMT2D protein function with a positive predictive value of 95%. In summary, the available evidence is currently insufficient to determine the role of this variant in disease. Therefore, it has been classified as a Variant of Uncertain Significance.